The following is an entry in ClinVar:

ClinVar aggregate classification (germline): Likely pathogenic (1 of 4 stars; one submission).

Conditions:
PHIP-related disorder. Also called: PHIP-related disorders; PHIP-related condition.

Submission:

PreventionGenetics, part of Exact Sciences
Classification: Likely pathogenic for PHIP-related condition. Last evaluated: 2024-10-23. Review status: criteria provided, single submitter. Criteria: ACMG Guidelines, 2015. Collection method: clinical testing. Allele origin: germline.
Comment: The PHIP c.40+1G>T variant is predicted to disrupt the GT donor site and interfere with normal splicing. To our knowledge, this variant has not been reported in the literature or in a large population database (gnomAD), indicating this variant is rare. Variants that disrupt the consensus splice donor site in PHIP are expected to be pathogenic. This variant is interpreted as likely pathogenic.

NM_017934.7(PHIP):c.40+1G>T

Genes: PHIP (PHIP subunit of CUL4-Ring ligase complex; minus strand), LOC129996745 (ATAC-STARR-seq lymphoblastoid silent region 17346; plus strand). Cytogenetic location: 6q14.1.
Variant type: single nucleotide variant.
Coding change: c.40+1G>T on transcript NM_017934.7 (MANE Select); the canonical splice donor site of the intron after coding-DNA position 40, G replaced by T.
Molecular consequence: splice donor variant.
Genome position (GRCh38, 1-based): chr6:79,078,028, C>A on the plus strand (G>T on the coding strand, the complement: PHIP is on the minus strand). VCF-style: chr6-79078028-C-A. GRCh37 (hg19) VCF-style: chr6-79787745-C-A.
Identifiers: ClinVar variation 5000959 (VCV005000959.1).